The following is an entry in ClinVar:

NM_015443.4(KANSL1):c.1752T>A (p.Ser584=)

Gene: KANSL1 (KAT8 regulatory NSL complex subunit 1). Cytogenetic location: 17q21.31.
Variant type: single nucleotide variant.
Coding change: c.1752T>A on transcript NM_015443.4 (MANE Select); coding-DNA position 1752, T replaced by A.
Protein change: p.Ser584=; no amino-acid change (serine 584 retained).
Molecular consequence: synonymous variant.
Genome position (GRCh38, 1-based): chr17:46,066,633, A>T on the plus strand (T>A on the coding strand, the complement: KANSL1 is on the minus strand). VCF-style: chr17-46066633-A-T. GRCh37 (hg19) VCF-style: chr17-44143999-A-T.
Other names: c.1752T>A, p.Ser584= (NM_001193465.2, NM_001193466.2, NM_001379198.1 and 14 more transcripts); c.1650T>A, p.Ser550= (NM_001405859.1, NM_001405860.1, NM_001405861.1 and 1 more transcripts); c.486T>A, p.Ser162= (NM_001405882.1, NM_001405883.1, NM_001405884.1 and 1 more transcripts).
Identifiers: ClinVar variation 4803561 (VCV004803561.1).

ClinVar aggregate classification (germline): Uncertain significance (1 of 4 stars; one submission).

Conditions:
Koolen-de Vries syndrome (KDVS). Identifiers: Orphanet 96169, MedGen C1864871, MONDO:0012496, OMIM 610443.

Submission:

Labcorp Genetics (formerly Invitae), Labcorp
Classification: Uncertain significance for Koolen-de Vries syndrome. Last evaluated: 2025-05-30. Review status: criteria provided, single submitter. Criteria: Invitae Variant Classification Sherloc (09022015). Collection method: clinical testing. Allele origin: germline.
Comment: This sequence change affects codon 584 of the KANSL1 mRNA. It is a 'silent' change, meaning that it does not change the encoded amino acid sequence of the KANSL1 protein. This variant is present in population databases (no rsID available, gnomAD 0.0009%). This variant has not been reported in the literature in individuals affected with KANSL1-related conditions. Algorithms developed to predict the effect of sequence changes on RNA splicing suggest that this variant may create or strengthen a splice site. In summary, the available evidence is currently insufficient to determine the role of this variant in disease. Therefore, it has been classified as a Variant of Uncertain Significance.